The following is an entry in ClinVar:

NM_005901.6(SMAD2):c.242G>C (p.Cys81Ser)

Gene: SMAD2 (SMAD family member 2; minus strand). Cytogenetic location: 18q21.1.
Variant type: single nucleotide variant.
Coding change: c.242G>C on transcript NM_005901.6 (MANE Select); coding-DNA position 242, G replaced by C.
Protein change: p.Cys81Ser; replaces cysteine 81 with serine.
Molecular consequence: missense variant. On other transcripts: intron variant (1).
Genome position (GRCh38, 1-based): chr18:47,870,559, C>G on the plus strand (G>C on the coding strand, the complement: SMAD2 is on the minus strand). VCF-style: chr18-47870559-C-G. GRCh37 (hg19) VCF-style: chr18-45396930-C-G.
Other names: c.242G>C, p.Cys81Ser (NM_001003652.4); c.237-1123G>C (NM_001135937.3); short protein forms C81S.
Identifiers: ClinVar variation 2863589 (VCV002863589.3), dbSNP rs908853616, ClinGen allele CA402502454.
Genomic context (GRCh38, chr18:47,870,559, plus strand): 5'-AGGCCTGTTGTATCCCACTGATCTATCGTATTTGGTGTACTCAGTCCCCAAATTTCAGAG[C>G]AAGTGCTGTGCATAAATTGAAAAACAAAAAATTGATGTGAACATGGAAGCATGGTTATTC-3'
Protein context (NP_005892.1, residues 71-91): NTKCVTIPST[Cys81Ser]SEIWGLSTPN

ClinVar aggregate classification (germline): Uncertain significance (1 of 4 stars; one submission).

gnomAD v4.1: 1 of 1,611,476 alleles (0.000062%); no homozygotes.

Submission:

Labcorp Genetics (formerly Invitae), Labcorp
Classification: Uncertain significance. Last evaluated: 2023-05-21. Review status: criteria provided, single submitter. Criteria: Invitae Variant Classification Sherloc (09022015). Collection method: clinical testing. Allele origin: germline.
Comment: In summary, the available evidence is currently insufficient to determine the role of this variant in disease. Therefore, it has been classified as a Variant of Uncertain Significance. Advanced modeling of protein sequence and biophysical properties (such as structural, functional, and spatial information, amino acid conservation, physicochemical variation, residue mobility, and thermodynamic stability) performed at Invitae indicates that this missense variant is not expected to disrupt SMAD2 protein function. This variant has not been reported in the literature in individuals affected with SMAD2-related conditions. This variant is not present in population databases (gnomAD no frequency). This sequence change replaces cysteine, which is neutral and slightly polar, with serine, which is neutral and polar, at codon 81 of the SMAD2 protein (p.Cys81Ser).